The following is an entry in ClinVar:

ClinVar aggregate classification (germline): Likely benign. Review status: reviewed by expert panel (3 of 4 stars). 4 submissions from 4 submitters: Likely benign (1). 3 of the submissions do not count toward it. Last evaluated 2025-06-03.

Conditions:
Hereditary von Willebrand disease. Identifiers: Orphanet 903, MedGen C5703318, MONDO:0019565. Inheritance: Autosomal recessive or Autosomal dominant.

Allele frequency attached by ClinVar (database versions not stated): ExAC 0.00002; gnomAD exomes 0.00003; TOPMed 0.00009; gnomAD 0.00011.
gnomAD v4.1: 112 of 1,614,002 alleles (0.0069%); highest among the groups gnomAD compares: Middle Eastern, 0.26%; no homozygotes.

Submissions (4):

ClinGen von Willebrand Disease Variant Curation Expert Panel, ClinGen
Classification: Likely benign for Hereditary von Willebrand disease. Last evaluated: 2025-06-03. Review status: reviewed by expert panel. Criteria: ClinGen VWD 2A B M Rules. Collection method: curation. Allele origin: germline.
Comment: The NM_000552.5(VWF):c.858C>T (p.Thr286=) variant is a synonymous that is not predicted by SpliceAI to impact splicing (delta scores <0.1). In addition, it occurs at a nucleotide that is not conserved as shown by phyloP score of -3.99 (BP4, BP7). The Grpmax filtering allele frequency in gnomAD v4.1 is 0.001655 (based on 16/6060 alleles in the Middle Eastern population). This intermediate allele frequency is lower than the ClinGen VWD VCEP threshold (>0.01) for BS1 but higher than the threshold for PM2_Supporting. No VWD patient has been identified with this variant. In summary, this variant meets the criteria to be classified as likely benign for hereditary VWD based on the application of ACMG/AMP criteria applied, as specified by the ClinGen VWD VCEP: BP4, BP7.

Blueprint Genetics
Classification: Likely benign. Last evaluated: 2024-09-19. Review status: criteria provided, single submitter. Criteria: ACMG Guidelines, 2015. Collection method: clinical testing. Allele origin: germline. Not counted in ClinVar's aggregate classification.

CeGaT Center for Human Genetics Tuebingen
Classification: Likely benign. Last evaluated: 2019-03-01. Review status: criteria provided, single submitter. Criteria: CeGaT Center For Human Genetics Tuebingen Variant Classification Criteria Version 2. Collection method: clinical testing. Allele origin: germline. Affected: yes. Observed: 1 variant allele. Not counted in ClinVar's aggregate classification.

Genetic Services Laboratory, University of Chicago
Classification: Likely benign. Last evaluated: 2022-08-08. Review status: no assertion criteria provided. Collection method: clinical testing. Allele origin: germline. Affected: no. Not counted in ClinVar's aggregate classification.

NM_000552.5(VWF):c.858C>T (p.Thr286=)

Gene: VWF (von Willebrand factor; minus strand). Cytogenetic location: 12p13.31.
Variant type: single nucleotide variant.
Coding change: c.858C>T on transcript NM_000552.5 (MANE Select); coding-DNA position 858, C replaced by T.
Protein change: p.Thr286=; no amino-acid change (threonine 286 retained).
Molecular consequence: synonymous variant.
Genome position (GRCh38, 1-based): chr12:6,075,351, G>A on the plus strand (C>T on the coding strand, the complement: VWF is on the minus strand). VCF-style: chr12-6075351-G-A. GRCh37 (hg19) VCF-style: chr12-6184517-G-A.
Other names: NM_000552.5(VWF):c.858C>T; p.Thr286=; c.858C>T (NM_000552.4).
Identifiers: ClinVar variation 310088 (VCV000310088.50), dbSNP rs776206258, ClinGen allele CA6403671.